The following is an entry in ClinVar:

NM_001010874.5(TECRL):c.923G>T (p.Gly308Val)

Gene: TECRL (trans-2,3-enoyl-CoA reductase like; minus strand). Cytogenetic location: 4q13.1.
Variant type: single nucleotide variant.
Coding change: c.923G>T on transcript NM_001010874.5 (MANE Select); coding-DNA position 923, G replaced by T.
Protein change: p.Gly308Val; replaces glycine 308 with valine.
Molecular consequence: missense variant.
Genome position (GRCh38, 1-based): chr4:64,281,082, C>A on the plus strand (G>T on the coding strand, the complement: TECRL is on the minus strand). VCF-style: chr4-64281082-C-A. GRCh37 (hg19) VCF-style: chr4-65146800-C-A.
Other names: c.923G>T, p.Gly308Val (NM_001363796.1); short protein forms G308V.
Identifiers: ClinVar variation 3454634 (VCV003454634.1).

ClinVar aggregate classification (germline): Uncertain significance (1 of 4 stars; one submission).

Conditions:
Cardiovascular phenotype. Identifiers: MedGen CN230736.

Submission:

Ambry Genetics
Classification: Uncertain significance for Cardiovascular phenotype. Last evaluated: 2024-09-11. Review status: criteria provided, single submitter. Criteria: Ambry Variant Classification Scheme 2023. Collection method: clinical testing. Allele origin: germline.
Comment: The p.G308V variant (also known as c.923G>T), located in coding exon 11 of the TECRL gene, results from a G to T substitution at nucleotide position 923. The glycine at codon 308 is replaced by valine, an amino acid with dissimilar properties. This amino acid position is conserved. In addition, the in silico prediction for this alteration is inconclusive. Based on the available evidence, the clinical significance of this variant remains unclear.